The following is an entry in ClinVar:

NM_001267550.2(TTN):c.99797_99800dup (p.Tyr33268fs)

Genes: TTN (titin; minus strand), TTN-AS1 (TTN antisense RNA 1; plus strand), LOC126806420 (BRD4-independent group 4 enhancer GRCh37_chr2:179401104-179402303; plus strand). Cytogenetic location: 2q31.2.
Variant type: Duplication.
Coding change: c.99797_99800dup on transcript NM_001267550.2 (MANE Select); coding-DNA positions 99797 to 99800, 4 bases duplicated (GGAA; older notation c.99797_99800dupGGAA).
Protein change: p.Tyr33268fs; shifts the reading frame from tyrosine 33268.
Molecular consequence: frameshift variant. On other transcripts: non-coding transcript variant (1).
Genome position (GRCh38, 1-based): chr2:178,537,407-178,537,410, TTCC duplicated on the plus strand (GGAA on the coding strand, the reverse complement: TTN is on the minus strand). VCF-style (leftmost placement, unchanged base first): chr2-178537406-T-TTTCC. GRCh37 (hg19) VCF-style: chr2-179402133-T-TTTCC.
Other names: c.94874_94877dup, p.Tyr31627fs (NM_001256850.1); c.72602_72605dup, p.Tyr24203fs (NM_003319.4); c.92093_92096dup, p.Tyr30700fs (NM_133378.4); c.72977_72980dup, p.Tyr24328fs (NM_133432.3); c.73178_73181dup, p.Tyr24395fs (NM_133437.4); short protein forms Y31627fs, Y24328fs, Y24203fs, Y30700fs, Y33268fs, Y24395fs.
Identifiers: ClinVar variation 2941068 (VCV002941068.3), dbSNP rs2468670906, ClinGen allele CA2740096325.

ClinVar aggregate classification (germline): Likely pathogenic (1 of 4 stars; one submission).

Conditions:
Dilated cardiomyopathy 1G (CMD1G). Identifiers: Orphanet 154, MedGen C1858763, MONDO:0011400, OMIM 604145.
Autosomal recessive limb-girdle muscular dystrophy type 2J (LGMDR10). Also called: Limb-girdle muscular dystrophy, type 2J; MUSCULAR DYSTROPHY, LIMB-GIRDLE, AUTOSOMAL RECESSIVE 10. Identifiers: Orphanet 140922, MedGen C1837342, MONDO:0012127, OMIM 608807.

Submission:

Labcorp Genetics (formerly Invitae), Labcorp
Classification: Likely pathogenic for Dilated cardiomyopathy 1G; Autosomal recessive limb-girdle muscular dystrophy type 2J. Last evaluated: 2025-04-13. Review status: criteria provided, single submitter. Criteria: Invitae Variant Classification Sherloc (09022015). Collection method: clinical testing. Allele origin: germline.
Comment: This sequence change creates a premature translational stop signal (p.Tyr33268Glufs*14) in the TTN gene. While this is not anticipated to result in nonsense mediated decay, it is expected to create a truncated TTN protein. This variant is not present in population databases (gnomAD no frequency). This variant has not been reported in the literature in individuals affected with TTN-related conditions. ClinVar contains an entry for this variant (Variation ID: 2941068). This variant is located in the A band of TTN (PMID: 25589632). Truncating variants in this region are significantly overrepresented in patients affected with dilated cardiomyopathy (PMID: 25589632). Truncating variants in this region have also been reported in individuals affected with autosomal recessive centronuclear myopathy (PMID: 23975875). In summary, the currently available evidence indicates that the variant is pathogenic, but additional data are needed to prove that conclusively. Therefore, this variant has been classified as Likely Pathogenic.

Literature cited by the submitters: PubMed 25589632; PubMed 23975875.